The following is an entry in ClinVar:

NM_000135.4(FANCA):c.235G>T (p.Asp79Tyr)

Gene: FANCA (FA complementation group A; minus strand). Cytogenetic location: 16q24.3.
Variant type: single nucleotide variant.
Coding change: c.235G>T on transcript NM_000135.4 (MANE Select); coding-DNA position 235, G replaced by T.
Protein change: p.Asp79Tyr; replaces aspartic acid 79 with tyrosine.
Molecular consequence: missense variant.
Genome position (GRCh38, 1-based): chr16:89,814,568, C>A on the plus strand (G>T on the coding strand, the complement: FANCA is on the minus strand). VCF-style: chr16-89814568-C-A. GRCh37 (hg19) VCF-style: chr16-89880976-C-A.
Other names: c.235G>T, p.Asp79Tyr (NM_001018112.3, NM_001286167.3, NM_001351830.2); short protein forms D79Y.
Identifiers: ClinVar variation 3512632 (VCV003512632.1).

ClinVar aggregate classification (germline): Uncertain significance (1 of 4 stars; one submission).

Conditions:
Inborn genetic diseases. Identifiers: MedGen C0950123, MeSH D030342.

Submission:

Ambry Genetics
Classification: Uncertain significance for Inborn genetic diseases. Last evaluated: 2024-11-18. Review status: criteria provided, single submitter. Criteria: Ambry Variant Classification Scheme 2023. Collection method: clinical testing. Allele origin: germline.
Comment: The p.D79Y variant (also known as c.235G>T), located in coding exon 3 of the FANCA gene, results from a G to T substitution at nucleotide position 235. The aspartic acid at codon 79 is replaced by tyrosine, an amino acid with highly dissimilar properties. This amino acid position is conserved. In addition, the in silico prediction for this alteration is inconclusive. Based on the available evidence, the clinical significance of this variant remains unclear.